The following is an entry in ClinVar:

NM_017780.4(CHD7):c.3557T>C (p.Met1186Thr)

Gene: CHD7 (chromodomain helicase DNA binding protein 7; plus strand). Cytogenetic location: 8q12.2.
Variant type: single nucleotide variant.
Coding change: c.3557T>C on transcript NM_017780.4 (MANE Select); coding-DNA position 3557, T replaced by C.
Protein change: p.Met1186Thr; replaces methionine 1186 with threonine.
Molecular consequence: missense variant. On other transcripts: intron variant (1).
Genome position (GRCh38, 1-based): chr8:60,830,356, T>C. VCF-style: chr8-60830356-T-C. GRCh37 (hg19) VCF-style: chr8-61742915-T-C.
Other names: c.1717-31873T>C (NM_001316690.1); short protein forms M1186T.
Identifiers: ClinVar variation 3369229 (VCV003369229.1).

ClinVar aggregate classification (germline): Uncertain significance (1 of 4 stars; one submission).

Submission:

GeneDx
Classification: Uncertain significance. Last evaluated: 2024-02-12. Review status: criteria provided, single submitter. Criteria: GeneDx Variant Classification Process June 2021. Collection method: clinical testing. Allele origin: germline. Affected: yes.
Comment: Not observed at significant frequency in large population cohorts (gnomAD); In silico analysis supports that this missense variant has a deleterious effect on protein structure/function; Has not been previously published as pathogenic or benign to our knowledge